The following is an entry in ClinVar:

ClinVar aggregate classification (germline): Uncertain significance (1 of 4 stars; one submission).

Submission:

Labcorp Genetics (formerly Invitae), Labcorp
Classification: Uncertain significance. Last evaluated: 2024-10-25. Review status: criteria provided, single submitter. Criteria: Invitae Variant Classification Sherloc (09022015). Collection method: clinical testing. Allele origin: germline.
Comment: This sequence change replaces arginine, which is basic and polar, with glycine, which is neutral and non-polar, at codon 585 of the GABBR1 protein (p.Arg585Gly). This variant is not present in population databases (gnomAD no frequency). This variant has not been reported in the literature in individuals affected with GABBR1-related conditions. An algorithm developed to predict the effect of missense changes on protein structure and function (PolyPhen-2) suggests that this variant is likely to be disruptive. In summary, the available evidence is currently insufficient to determine the role of this variant in disease. Therefore, it has been classified as a Variant of Uncertain Significance.

NM_001470.4(GABBR1):c.1753C>G (p.Arg585Gly)

Gene: GABBR1 (gamma-aminobutyric acid type B receptor subunit 1; minus strand). Cytogenetic location: 6p22.1.
Variant type: single nucleotide variant.
Coding change: c.1753C>G on transcript NM_001470.4 (MANE Select); coding-DNA position 1753, C replaced by G.
Protein change: p.Arg585Gly; replaces arginine 585 with glycine.
Molecular consequence: missense variant.
Genome position (GRCh38, 1-based): chr6:29,609,335, G>C on the plus strand (C>G on the coding strand, the complement: GABBR1 is on the minus strand). VCF-style: chr6-29609335-G-C. GRCh37 (hg19) VCF-style: chr6-29577112-G-C.
Other names: c.1222C>G, p.Arg408Gly (NM_001319053.2); c.1402C>G, p.Arg468Gly (NM_021903.3); c.1567C>G, p.Arg523Gly (NM_021904.4); short protein forms R585G, R523G, R408G, R468G.
Identifiers: ClinVar variation 3723789 (VCV003723789.2).